The following is an entry in ClinVar:

ClinVar aggregate classification (germline): Uncertain significance (1 of 4 stars; one submission).

Conditions:
Atypical hemolytic-uremic syndrome. Identifiers: Orphanet 2134, MedGen C2931788, MONDO:0016244.

Submission:

Genomenon, Inc
Classification: Uncertain significance for Atypical hemolytic-uremic syndrome. Last evaluated: 2025-10-02. Review status: criteria provided, single submitter. Criteria: Genomenon Sequence Variant Interpretation Standards. Collection method: curation. Allele origin: germline. Affected: no.
Comment: CD46 p.Glu97Ala (c.290A>C) is a missense variant that changes the amino acid at residue 97 from Glutamic acid to Alanine. This variant has been reported in the published literature (PMID:9268348;26357573). It is absent or not present at a significant frequency in gnomAD. In silico models agree that this variant is not damaging. In conclusion, we classify CD46 p.Glu97Ala (c.290A>C) as a variant of uncertain significance.

Literature cited by the submitters: PubMed 9268348; PubMed 26357573.

NM_172351.3(CD46):c.290A>C (p.Glu97Ala)

Gene: CD46 (CD46 molecule; plus strand). Cytogenetic location: 1q32.2.
Variant type: single nucleotide variant.
Coding change: c.290A>C on transcript NM_172351.3 (MANE Select); coding-DNA position 290, A replaced by C.
Protein change: p.Glu97Ala; replaces glutamic acid 97 with alanine.
Molecular consequence: missense variant.
Genome position (GRCh38, 1-based): chr1:207,757,543, A>C. VCF-style: chr1-207757543-A-C. GRCh37 (hg19) VCF-style: chr1-207930888-A-C.
Other names: c.290A>C, p.Glu97Ala (NM_002389.4, NM_153826.4, NM_172350.3 and 8 more transcripts); short protein forms E97A.
Identifiers: ClinVar variation 4291254 (VCV004291254.1).